The following is an entry in ClinVar:

ClinVar aggregate classification (germline): Uncertain significance (1 of 4 stars; one submission).

gnomAD v4.1: 1 of 1,612,774 alleles (0.000062%); highest among the groups gnomAD compares: South Asian, 0.0011%; no homozygotes.

Submission:

GeneDx
Classification: Uncertain significance. Last evaluated: 2024-03-23. Review status: criteria provided, single submitter. Criteria: GeneDx Variant Classification Process June 2021. Collection method: clinical testing. Allele origin: germline. Affected: yes.
Comment: Not observed at significant frequency in large population cohorts (gnomAD); In silico analysis supports that this missense variant has a deleterious effect on protein structure/function; Has not been previously published as pathogenic or benign to our knowledge

NM_005993.5(TBCD):c.1877C>T (p.Ala626Val)

Gene: TBCD (tubulin folding cofactor D). Cytogenetic location: 17q25.3.
Variant type: single nucleotide variant.
Coding change: c.1877C>T on transcript NM_005993.5 (MANE Select); coding-DNA position 1877, C replaced by T.
Protein change: p.Ala626Val; replaces alanine 626 with valine.
Molecular consequence: missense variant.
Genome position (GRCh38, 1-based): chr17:82,906,008, C>T. VCF-style: chr17-82906008-C-T. GRCh37 (hg19) VCF-style: chr17-80863884-C-T.
Other names: c.1826C>T, p.Ala609Val (NM_001411101.1); c.1796C>T, p.Ala599Val (NM_001411102.1); short protein forms A599V, A609V, A626V.
Identifiers: ClinVar variation 3371500 (VCV003371500.1).